The following is an entry in ClinVar:

NM_005262.3(GFER):c.*3G>T

Gene: GFER (growth factor, augmenter of liver regeneration; plus strand). Cytogenetic location: 16p13.3.
Variant type: single nucleotide variant.
Coding change: c.*3G>T on transcript NM_005262.3 (MANE Select); 3 bases downstream of the stop codon, G replaced by T.
Molecular consequence: 3 prime UTR variant.
Genome position (GRCh38, 1-based): chr16:1,986,031, G>T. VCF-style: chr16-1986031-G-T. GRCh37 (hg19) VCF-style: chr16-2036032-G-T.
Identifiers: ClinVar variation 381072 (VCV000381072.4), dbSNP rs779641464, ClinGen allele CA7826115.

ClinVar aggregate classification (germline): Likely benign. Review status: criteria provided, single submitter (1 of 4 stars). 2 submissions from 2 submitters: Likely benign (1). 1 of the submissions does not count toward it. Last evaluated 2020-10-28.

Conditions:
GFER-related disorder. Also called: GFER-related condition.

Allele frequency attached by ClinVar (database versions not stated): TOPMed 0.00011; gnomAD 0.00006.
gnomAD v4.1: 129 of 1,612,262 alleles (0.008%); highest among the groups gnomAD compares: Admixed American, 0.018%; no homozygotes.

Submissions (2):

GeneDx
Classification: Likely benign. Last evaluated: 2020-10-28. Review status: criteria provided, single submitter. Criteria: GeneDx Variant Classification Process June 2021. Collection method: clinical testing. Allele origin: germline. Affected: yes.

PreventionGenetics, part of Exact Sciences
Classification: Likely benign for GFER-related condition. Last evaluated: 2020-03-10. Review status: no assertion criteria provided. Collection method: clinical testing. Allele origin: germline. Not counted in ClinVar's aggregate classification.
Comment: This variant is classified as likely benign based on ACMG/AMP sequence variant interpretation guidelines (Richards et al. 2015 PMID: 25741868, with internal and published modifications).